The following is an entry in ClinVar:

ClinVar aggregate classification (germline): Uncertain significance. Review status: criteria provided, multiple submitters, no conflicts (2 of 4 stars). 2 submissions from 2 submitters: Uncertain significance (2). Last evaluated 2024-09-24.

Allele frequency attached by ClinVar (database versions not stated): gnomAD 0.00002; TOPMed 0.00003.
gnomAD v4.1: 40 of 1,210,268 alleles (0.0033%); highest among the groups gnomAD compares: Non-Finnish European, 0.0044%; no homozygotes.

Submissions (2):

Women's Health and Genetics/Laboratory Corporation of America, LabCorp
Classification: Uncertain significance. Last evaluated: 2024-09-24. Review status: criteria provided, single submitter. Criteria: LabCorp Variant Classification Summary - May 2015. Collection method: clinical testing. Allele origin: germline.
Comment: Variant summary: NEXMIF c.3880A>C (p.Ser1294Arg) results in a non-conservative amino acid change in the encoded protein sequence. Three of five in-silico tools predict a benign effect of the variant on protein function. The frequency of this variant in the general population could not be determined as the technology used for large population databases (ExAC, gnomAD, ESP, 1000G) cannot detect variants of this type. The available data on variant occurrences in the general population are insufficient to allow any conclusion about variant significance. To our knowledge, no occurrence of c.3880A>C in individuals affected with Intellectual Developmental Disorder, X-Linked 98 and no experimental evidence demonstrating its impact on protein function have been reported. No submitters have cited clinical-significance assessments for this variant to ClinVar. Based on the evidence outlined above, the variant was classified as uncertain significance.

Labcorp Genetics (formerly Invitae), Labcorp
Classification: Uncertain significance. Last evaluated: 2023-09-15. Review status: criteria provided, single submitter. Criteria: Invitae Variant Classification Sherloc (09022015). Collection method: clinical testing. Allele origin: germline.
Comment: In summary, the available evidence is currently insufficient to determine the role of this variant in disease. Therefore, it has been classified as a Variant of Uncertain Significance. An algorithm developed to predict the effect of missense changes on protein structure and function (PolyPhen-2) suggests that this variant is likely to be tolerated. This variant has not been reported in the literature in individuals affected with NEXMIF-related conditions. This variant is present in population databases (no rsID available, gnomAD 0.001%), including at least one homozygous and/or hemizygous individual. This sequence change replaces serine, which is neutral and polar, with arginine, which is basic and polar, at codon 1294 of the NEXMIF protein (p.Ser1294Arg).

NM_001008537.3(NEXMIF):c.3880A>C (p.Ser1294Arg)

Gene: NEXMIF (neurite extension and migration factor; minus strand). Cytogenetic location: Xq13.3.
Variant type: single nucleotide variant.
Coding change: c.3880A>C on transcript NM_001008537.3 (MANE Select); coding-DNA position 3880, A replaced by C.
Protein change: p.Ser1294Arg; replaces serine 1294 with arginine.
Molecular consequence: missense variant.
Genome position (GRCh38, 1-based): chrX:74,740,677, T>G on the plus strand (A>C on the coding strand, the complement: NEXMIF is on the minus strand). VCF-style: chrX-74740677-T-G. GRCh37 (hg19) VCF-style: chrX-73960512-T-G.
Other names: short protein forms S1294R.
Identifiers: ClinVar variation 3018670 (VCV003018670.4), dbSNP rs981927256, ClinGen allele CA331301705.